The following is an entry in ClinVar:

NM_005591.4(MRE11):c.433A>G (p.Ser145Gly)

Gene: MRE11 (MRE11 double strand break repair nuclease; minus strand). Cytogenetic location: 11q21.
Variant type: single nucleotide variant.
Coding change: c.433A>G on transcript NM_005591.4 (MANE Select); coding-DNA position 433, A replaced by G.
Protein change: p.Ser145Gly; replaces serine 145 with glycine.
Molecular consequence: missense variant.
Genome position (GRCh38, 1-based): chr11:94,478,846, T>C on the plus strand (A>G on the coding strand, the complement: MRE11 is on the minus strand). VCF-style: chr11-94478846-T-C. GRCh37 (hg19) VCF-style: chr11-94212012-T-C.
Other names: c.433A>G, p.Ser145Gly (NM_001330347.2, NM_005590.4); short protein forms S145G.
Identifiers: ClinVar variation 479747 (VCV000479747.6), dbSNP rs1555015236, ClinGen allele CA382377713.

ClinVar aggregate classification (germline): Uncertain significance (1 of 4 stars; one submission).

Conditions:
Hereditary cancer-predisposing syndrome. Also called: Hereditary Cancer Syndrome; Neoplastic Syndromes, Hereditary; Tumor predisposition; Hereditary neoplastic syndrome. Identifiers: Orphanet 140162, MedGen C0027672, MeSH D009386, MONDO:0015356.

Allele frequency attached by ClinVar (database versions not stated): TOPMed below 0.00001.

Submission:

Ambry Genetics
Classification: Uncertain significance for Hereditary cancer-predisposing syndrome. Last evaluated: 2025-04-24. Review status: criteria provided, single submitter. Criteria: Ambry Variant Classification Scheme 2023. Collection method: clinical testing. Allele origin: germline.
Comment: The p.S145G variant (also known as c.433A>G), located in coding exon 5 of the MRE11A gene, results from an A to G substitution at nucleotide position 433. The serine at codon 145 is replaced by glycine, an amino acid with similar properties. This amino acid position is highly conserved in available vertebrate species. In addition, this alteration is predicted to be deleterious by in silico analysis. Since supporting evidence is limited at this time, the clinical significance of this alteration remains unclear.